The following is an entry in ClinVar:

NM_022489.4(INF2):c.220C>G (p.Leu74Val)

Gene: INF2 (inverted formin 2; plus strand). Cytogenetic location: 14q32.33.
Variant type: single nucleotide variant.
Coding change: c.220C>G on transcript NM_022489.4 (MANE Select); coding-DNA position 220, C replaced by G.
Protein change: p.Leu74Val; replaces leucine 74 with valine.
Molecular consequence: missense variant.
Genome position (GRCh38, 1-based): chr14:104,701,585, C>G. VCF-style: chr14-104701585-C-G. GRCh37 (hg19) VCF-style: chr14-105167922-C-G.
Other names: c.220C>G, p.Leu74Val (NM_001031714.4, NM_001426862.1, NM_001426863.1 and 6 more transcripts); short protein forms L74V.
Identifiers: ClinVar variation 2939975 (VCV002939975.3), dbSNP rs1290588317, ClinGen allele CA391225529.

ClinVar aggregate classification (germline): Uncertain significance (1 of 4 stars; one submission).

Conditions:
Charcot-Marie-Tooth disease dominant intermediate E. Also called: CHARCOT-MARIE-TOOTH NEUROPATHY WITH FOCAL SEGMENTAL GLOMERULONEPHRITIS. Identifiers: Orphanet 93114, MedGen C4302667, MONDO:0013758, OMIM 614455.
Focal segmental glomerulosclerosis 5 (FSGS5). Identifiers: Orphanet 656, MedGen C2750475, MONDO:0013191, OMIM 613237.

Submission:

Labcorp Genetics (formerly Invitae), Labcorp
Classification: Uncertain significance for Charcot-Marie-Tooth disease dominant intermediate E; Focal segmental glomerulosclerosis 5. Last evaluated: 2023-08-16. Review status: criteria provided, single submitter. Criteria: Invitae Variant Classification Sherloc (09022015). Collection method: clinical testing. Allele origin: germline.
Comment: This sequence change replaces leucine, which is neutral and non-polar, with valine, which is neutral and non-polar, at codon 74 of the INF2 protein (p.Leu74Val). In summary, the available evidence is currently insufficient to determine the role of this variant in disease. Therefore, it has been classified as a Variant of Uncertain Significance. Advanced modeling of protein sequence and biophysical properties (such as structural, functional, and spatial information, amino acid conservation, physicochemical variation, residue mobility, and thermodynamic stability) has been performed at Invitae for this missense variant, however the output from this modeling did not meet the statistical confidence thresholds required to predict the impact of this variant on INF2 protein function. This variant has not been reported in the literature in individuals affected with INF2-related conditions. This variant is not present in population databases (gnomAD no frequency).